The following is an entry in ClinVar:

ClinVar aggregate classification (germline): Pathogenic. Review status: criteria provided, multiple submitters, no conflicts (2 of 4 stars). 2 submissions from 2 submitters: Pathogenic (2). Last evaluated 2022-08-30.

Conditions:
Retinoblastoma (RB1). Also called: RETINOBLASTOMA, SOMATIC. Identifiers: Orphanet 790, MedGen C0035335, MeSH D012175, MONDO:0008380, OMIM 180200, HP:0009919. Disease mechanism: loss of function. Inheritance: Both sporadic and heritable forms are tested..

Submissions (2):

ARUP Laboratories, Molecular Genetics and Genomics, ARUP Laboratories
Classification: Pathogenic. Last evaluated: 2022-08-30. Review status: criteria provided, single submitter. Criteria: ARUP Molecular Germline Variant Investigation Process 2021. Collection method: clinical testing. Allele origin: germline.
Comment: The RB1 c.2420C>G; p.Ser807Ter variant, to our knowledge, is not reported in the literature. The variant is listed in the ClinVar database (Variation ID: 1074237), but is absent from the Genome Aggregation Database, indicating it is not a common polymorphism. This variant induces an early termination codon and is predicted to result in a truncated protein or mRNA subject to nonsense-mediated decay. Additionally, another variant in the same codon leading to a premature termination codon (c.2420C>A; p.Ser807Ter) has been reported in an affected individual (Price 2014) and several downstream truncating variants have been described in individuals with retinoblastoma and are considered pathogenic (Taylor 2007). Based on available information, this variant is classified as pathogenic. References: Price EA et al. Spectrum of RB1 mutations identified in 403 retinoblastoma patients. J Med Genet. 2014 Mar;51(3):208-14. PMID: 24225018. Taylor M et al. Genotype-phenotype correlations in hereditary familial retinoblastoma. Hum Mutat. 2007 Mar;28(3):284-93. PMID: 17096365.

Labcorp Genetics (formerly Invitae), Labcorp
Classification: Pathogenic for Retinoblastoma. Last evaluated: 2020-10-16. Review status: criteria provided, single submitter. Criteria: Invitae Variant Classification Sherloc (09022015). Collection method: clinical testing. Allele origin: germline.
Comment: For these reasons, this variant has been classified as Pathogenic. A different variant (c.2420C>A) giving rise to the same protein effect observed here (p.Ser807*) has been reported in individual(s) with retinoblastoma (PMID: 24225018). This variant is not present in population databases (ExAC no frequency). This sequence change creates a premature translational stop signal (p.Ser807*) in the RB1 gene. It is expected to result in an absent or disrupted protein product. Loss-of-function variants in RB1 are known to be pathogenic (PMID: 17096365).

Literature cited by the submitters: PubMed 24225018 (cited by Labcorp Genetics (formerly Invitae), Labcorp); PubMed 17096365 (cited by Labcorp Genetics (formerly Invitae), Labcorp).

NM_000321.3(RB1):c.2420C>G (p.Ser807Ter)

Gene: RB1 (RB transcriptional corepressor 1; plus strand). Cytogenetic location: 13q14.2.
Variant type: single nucleotide variant.
Coding change: c.2420C>G on transcript NM_000321.3 (MANE Select); coding-DNA position 2420, C replaced by G.
Protein change: p.Ser807Ter; replaces serine 807 with a stop codon.
Molecular consequence: nonsense.
Genome position (GRCh38, 1-based): chr13:48,465,299, C>G. VCF-style: chr13-48465299-C-G. GRCh37 (hg19) VCF-style: chr13-49039435-C-G.
Other names: short protein forms S807*.
Identifiers: ClinVar variation 1074237 (VCV001074237.11), dbSNP rs2138345919, ClinGen allele CA388167945.